The following is an entry in ClinVar:

ClinVar aggregate classification (germline): Uncertain significance (1 of 4 stars; one submission).

Conditions:
Familial cold autoinflammatory syndrome 2 (FCAS2). Identifiers: Orphanet 247868, MedGen C2673198, MONDO:0012724, OMIM 611762.

Submission:

Neuberg Centre For Genomic Medicine, NCGM
Classification: Uncertain significance for Familial cold autoinflammatory syndrome 2. Last evaluated: 2024-02-01. Review status: criteria provided, single submitter. Criteria: ACMG Guidelines, 2015. Collection method: clinical testing. Allele origin: germline. Inheritance: Autosomal dominant inheritance.
Comment: This variant in NLRP12 has not been reported previously as a pathogenic variant nor as a benign variant, to our knowledge

NM_144687.4(NLRP12):c.1349C>G (p.Pro450Arg)

Gene: NLRP12 (NLR family pyrin domain containing 12; minus strand). Cytogenetic location: 19q13.42.
Variant type: single nucleotide variant.
Coding change: c.1349C>G on transcript NM_144687.4 (MANE Select); coding-DNA position 1349, C replaced by G.
Protein change: p.Pro450Arg; replaces proline 450 with arginine.
Molecular consequence: missense variant.
Genome position (GRCh38, 1-based): chr19:53,810,310, G>C on the plus strand (C>G on the coding strand, the complement: NLRP12 is on the minus strand). VCF-style: chr19-53810310-G-C. GRCh37 (hg19) VCF-style: chr19-54313564-G-C.
Other names: c.1349C>G, p.Pro450Arg (NM_001277126.2, NM_001277129.1); short protein forms P450R.
Identifiers: ClinVar variation 3897992 (VCV003897992.1).
Genomic context (GRCh38, chr19:53,810,310, plus strand): 5'-CAGAGCCCATCTGCCGCCAAGGAGCACAACCCTCTCTGGTTGGGTGGGGGCTGGAGGCGC[G>C]GGGCCCCCGGCTTGGGTTGCATCAGACTCAGCAGGTAGAGCATGTACACTGCAGTGGTGG-3'
Protein context (NP_653288.1, residues 440-460): LSLMQPKPGA[Pro450Arg]RLQPPPNQRG